The following is an entry in ClinVar:

NM_182914.3(SYNE2):c.13820T>C (p.Phe4607Ser)

Gene: SYNE2 (spectrin repeat containing nuclear envelope protein 2; plus strand). Cytogenetic location: 14q23.2.
Variant type: single nucleotide variant.
Coding change: c.13820T>C on transcript NM_182914.3 (MANE Select); coding-DNA position 13820, T replaced by C.
Protein change: p.Phe4607Ser; replaces phenylalanine 4607 with serine.
Molecular consequence: missense variant.
Genome position (GRCh38, 1-based): chr14:64,126,710, T>C. VCF-style: chr14-64126710-T-C. GRCh37 (hg19) VCF-style: chr14-64593428-T-C.
Other names: c.13820T>C, p.Phe4607Ser (NM_015180.6); short protein forms F4607S.
Identifiers: ClinVar variation 3673371 (VCV003673371.2).

ClinVar aggregate classification (germline): Uncertain significance (1 of 4 stars; one submission).

Conditions:
Emery-Dreifuss muscular dystrophy 5, autosomal dominant (EDMD5). Also called: EMERY-DREIFUSS MUSCULAR DYSTROPHY 5. Identifiers: Orphanet 261, MedGen C2751805, MONDO:0013072, OMIM 612999.

gnomAD v4.1: 14 of 1,614,206 alleles (0.00087%); highest among the groups gnomAD compares: Non-Finnish European, 0.0012%; no homozygotes.

Submission:

Labcorp Genetics (formerly Invitae), Labcorp
Classification: Uncertain significance for Emery-Dreifuss muscular dystrophy 5, autosomal dominant. Last evaluated: 2024-08-04. Review status: criteria provided, single submitter. Criteria: Invitae Variant Classification Sherloc (09022015). Collection method: clinical testing. Allele origin: germline.
Comment: This sequence change replaces phenylalanine, which is neutral and non-polar, with serine, which is neutral and polar, at codon 4607 of the SYNE2 protein (p.Phe4607Ser). This variant is present in population databases (no rsID available, gnomAD 0.002%). This variant has not been reported in the literature in individuals affected with SYNE2-related conditions. An algorithm developed to predict the effect of missense changes on protein structure and function (PolyPhen-2) suggests that this variant is likely to be disruptive. In summary, the available evidence is currently insufficient to determine the role of this variant in disease. Therefore, it has been classified as a Variant of Uncertain Significance.